The following is an entry in ClinVar:

ClinVar aggregate classification (germline): Benign. Review status: criteria provided, multiple submitters, no conflicts (2 of 4 stars). 8 submissions from 4 submitters: Benign (8). Last evaluated 2021-12-05.

Conditions:
Developmental and epileptic encephalopathy 98. Identifiers: MedGen C5562017, MONDO:0030472, OMIM 619605.
Fetal akinesia, respiratory insufficiency, microcephaly, polymicrogyria, and dysmorphic facies. Identifiers: MedGen C5562015, MONDO:0859204, OMIM 619602.
Alternating hemiplegia of childhood 1 (AHC1). Identifiers: Orphanet 2131, MedGen C3549447, MONDO:0007087, OMIM 104290.
Migraine, familial hemiplegic, 2. Identifiers: Orphanet 569, MedGen C1865322, MONDO:0011232, OMIM 602481.

Allele frequency attached by ClinVar (database versions not stated): gnomAD exomes 0.12329; 1000 Genomes Project 0.21246; 1000 Genomes Project 30x 0.21377; TOPMed 0.21598; gnomAD 0.21625 and 0.21642.
gnomAD v4.1: 33,121 of 153,416 alleles (22%); highest among the groups gnomAD compares: South Asian, 28%; 3,650 homozygotes.

Submissions (8):

Genome-Nilou Lab
Classification: Benign for Alternating hemiplegia of childhood 1. Last evaluated: 2021-12-05. Review status: criteria provided, single submitter. Criteria: ACMG Guidelines, 2015. Collection method: clinical testing. Allele origin: germline. Affected: no.

Genome-Nilou Lab
Classification: Benign for Developmental and epileptic encephalopathy 98. Last evaluated: 2021-12-05. Review status: criteria provided, single submitter. Criteria: ACMG Guidelines, 2015. Collection method: clinical testing. Allele origin: germline. Affected: no.

Genome-Nilou Lab
Classification: Benign for Fetal akinesia, respiratory insufficiency, microcephaly, polymicrogyria, and dysmorphic facies. Last evaluated: 2021-12-05. Review status: criteria provided, single submitter. Criteria: ACMG Guidelines, 2015. Collection method: clinical testing. Allele origin: germline. Affected: no.

Genome-Nilou Lab
Classification: Benign for Migraine, familial hemiplegic, 2. Last evaluated: 2021-12-05. Review status: criteria provided, single submitter. Criteria: ACMG Guidelines, 2015. Collection method: clinical testing. Allele origin: germline. Affected: no.

GeneDx
Classification: Benign. Last evaluated: 2021-05-10. Review status: criteria provided, single submitter. Criteria: GeneDx Variant Classification Process June 2021. Collection method: clinical testing. Allele origin: germline. Affected: yes.

Illumina Laboratory Services, Illumina
Classification: Benign for Alternating hemiplegia of childhood 1. Last evaluated: 2018-01-12. Review status: criteria provided, single submitter. Criteria: ICSL Variant Classification Criteria 13 December 2019. Collection method: clinical testing. Allele origin: germline.
Comment: This variant was observed in the ICSL laboratory as part of a predisposition screen in an ostensibly healthy population. It had not been previously curated by ICSL or reported in the Human Gene Mutation Database (HGMD: prior to June 1st, 2018), and was therefore a candidate for classification through an automated scoring system. Utilizing variant allele frequency, disease prevalence and penetrance estimates, and inheritance mode, an automated score was calculated to assess if this variant is too frequent to cause the disease. Based on the score and internal cut-off values, a variant classified as benign is not then subjected to further curation. The score for this variant resulted in a classification of benign for this disease.

Illumina Laboratory Services, Illumina
Classification: Benign for Migraine, familial hemiplegic, 2. Last evaluated: 2018-01-12. Review status: criteria provided, single submitter. Criteria: ICSL Variant Classification Criteria 13 December 2019. Collection method: clinical testing. Allele origin: germline.
Comment: the same text as in the submission from Illumina Laboratory Services, Illumina above.

Breakthrough Genomics
Classification: Benign. Review status: criteria provided, single submitter. Criteria: ACMG Guidelines, 2015. Collection method: not provided. Allele origin: germline. Inheritance: Autosomal recessive inheritance. Affected: yes.

NM_000702.4(ATP1A2):c.*746C>T

Gene: ATP1A2 (ATPase Na+/K+ transporting subunit alpha 2; plus strand). Cytogenetic location: 1q23.2.
Variant type: single nucleotide variant.
Coding change: c.*746C>T on transcript NM_000702.4 (MANE Select); 746 bases downstream of the stop codon, C replaced by T.
Molecular consequence: 3 prime UTR variant.
Genome position (GRCh38, 1-based): chr1:160,142,068, C>T. VCF-style: chr1-160142068-C-T. GRCh37 (hg19) VCF-style: chr1-160111858-C-T.
Identifiers: ClinVar variation 293153 (VCV000293153.9), dbSNP rs62620182, ClinGen allele CA10608097.